The following is an entry in ClinVar:

ClinVar aggregate classification (germline): Uncertain significance (1 of 4 stars; one submission).

Allele frequency attached by ClinVar (database versions not stated): gnomAD 0.00001; gnomAD exomes 0.00001; TOPMed 0.00001; ExAC 0.00002; ESP Exome Variant Server 0.00008.
gnomAD v4.1: 13 of 1,610,786 alleles (0.00081%); highest among the groups gnomAD compares: Non-Finnish European, 0.0011%; no homozygotes.

Submission:

Labcorp Genetics (formerly Invitae), Labcorp
Classification: Uncertain significance. Last evaluated: 2019-10-26. Review status: criteria provided, single submitter. Criteria: Invitae Variant Classification Sherloc (09022015). Collection method: clinical testing. Allele origin: germline.
Comment: In summary, the available evidence is currently insufficient to determine the role of this variant in disease. Therefore, it has been classified as a Variant of Uncertain Significance. Algorithms developed to predict the effect of missense changes on protein structure and function (SIFT, PolyPhen-2, Align-GVGD) all suggest that this variant is likely to be tolerated, but these predictions have not been confirmed by published functional studies and their clinical significance is uncertain. This variant has not been reported in the literature in individuals with KIF11-related conditions. This variant is present in population databases (rs139522037, ExAC 0.003%). This sequence change replaces isoleucine with valine at codon 400 of the KIF11 protein (p.Ile400Val). The isoleucine residue is highly conserved and there is a small physicochemical difference between isoleucine and valine.

NM_004523.4(KIF11):c.1198A>G (p.Ile400Val)

Gene: KIF11 (kinesin family member 11; plus strand). Cytogenetic location: 10q23.33.
Variant type: single nucleotide variant.
Coding change: c.1198A>G on transcript NM_004523.4 (MANE Select); coding-DNA position 1198, A replaced by G.
Protein change: p.Ile400Val; replaces isoleucine 400 with valine.
Molecular consequence: missense variant.
Genome position (GRCh38, 1-based): chr10:92,621,454, A>G. VCF-style: chr10-92621454-A-G. GRCh37 (hg19) VCF-style: chr10-94381211-A-G.
Other names: short protein forms I400V.
Identifiers: ClinVar variation 970002 (VCV000970002.9), dbSNP rs139522037, ClinGen allele CA5604143.